The following is an entry in ClinVar:

NM_014874.4(MFN2):c.1292C>T (p.Ser431Leu)

Gene: MFN2 (mitofusin 2; plus strand). Cytogenetic location: 1p36.22.
Variant type: single nucleotide variant.
Coding change: c.1292C>T on transcript NM_014874.4 (MANE Select); coding-DNA position 1292, C replaced by T.
Protein change: p.Ser431Leu; replaces serine 431 with leucine.
Molecular consequence: missense variant.
Genome position (GRCh38, 1-based): chr1:12,004,513, C>T. VCF-style: chr1-12004513-C-T. GRCh37 (hg19) VCF-style: chr1-12064570-C-T.
Other names: p.Ser431Leu; c.1292C>T, p.Ser431Leu (NM_001127660.2); short protein forms S431L.
Identifiers: ClinVar variation 806068 (VCV000806068.55), dbSNP rs764374251, ClinGen allele CA599083.

ClinVar aggregate classification (germline): Uncertain significance. Review status: criteria provided, multiple submitters, no conflicts (2 of 4 stars). 5 submissions from 5 submitters: Uncertain significance (5). Last evaluated 2025-06-06.

Conditions:
Charcot-Marie-Tooth disease type 2. Also called: Charcot-Marie-Tooth type 2. Identifiers: Orphanet 64746, MedGen C0270914, MONDO:0018993.
Charcot-Marie-Tooth disease, type 2A. Identifiers: MedGen C2079538.
Charcot-Marie-Tooth disease type 2A2. Also called: CHARCOT-MARIE-TOOTH DISEASE, AXONAL, TYPE 2A2; CHARCOT-MARIE-TOOTH DISEASE, NEURONAL, TYPE 2A2; HEREDITARY MOTOR AND SENSORY NEUROPATHY IIA2; HMSN IIA2; Charcot-Marie-Tooth Neuropathy Type 2A2; CHARCOT-MARIE-TOOTH DISEASE, AXONAL, AUTOSOMAL DOMINANT, TYPE 2A2A. Identifiers: Orphanet 99947, MedGen C4721887, MONDO:0012231, OMIM 609260.
Charcot-Marie-Tooth disease, axonal, autosomal recessive, type 2a2b;. Also called: Charcot-Marie-Tooth disease, axonal, type 2A2B; Charcot-Marie-Tooth disease, axonal, autosomal recessive, type 2A2B. Identifiers: MedGen C4310725, MONDO:0014906, OMIM 617087.
Charcot-Marie-Tooth disease type 2A1. Also called: CHARCOT-MARIE-TOOTH DISEASE, AXONAL, TYPE 2A1; CHARCOT-MARIE-TOOTH DISEASE, AXONAL, AUTOSOMAL DOMINANT, TYPE 2A1; CHARCOT-MARIE-TOOTH DISEASE, NEURONAL, TYPE 2A1; CHARCOT-MARIE-TOOTH NEUROPATHY, TYPE 2A1; HEREDITARY MOTOR AND SENSORY NEUROPATHY IIA1. Identifiers: Orphanet 99946, MedGen C1861678, MONDO:0007308, OMIM 118210.
Neuropathy, hereditary motor and sensory, type 6A (HMSN6A). Also called: NEUROPATHY, HEREDITARY MOTOR AND SENSORY, TYPE VIA, WITH OPTIC ATROPHY; NEUROPATHY, HEREDITARY MOTOR AND SENSORY, TYPE VIA; HMSN VIA; CHARCOT-MARIE-TOOTH DISEASE, TYPE 6A. Identifiers: MedGen CN305336, MONDO:0011002, OMIM 601152.
MFN2-related disorder. Also called: MFN2-related condition; MFN2-related disorders.

Allele frequency attached by ClinVar (database versions not stated): gnomAD 0.00001; gnomAD exomes 0.00001; TOPMed 0.00002; ExAC 0.00003.
gnomAD v4.1: 16 of 1,613,872 alleles (0.00099%); highest among the groups gnomAD compares: Admixed American, 0.0017%; no homozygotes.

Submissions (5):

Labcorp Genetics (formerly Invitae), Labcorp
Classification: Uncertain significance for Charcot-Marie-Tooth disease type 2. Last evaluated: 2025-06-06. Review status: criteria provided, single submitter. Criteria: Invitae Variant Classification Sherloc (09022015). Collection method: clinical testing. Allele origin: germline.
Comment: This sequence change replaces serine, which is neutral and polar, with leucine, which is neutral and non-polar, at codon 431 of the MFN2 protein (p.Ser431Leu). This variant is present in population databases (rs764374251, gnomAD 0.003%). This variant has not been reported in the literature in individuals affected with MFN2-related conditions. ClinVar contains an entry for this variant (Variation ID: 806068). Invitae Evidence Modeling of protein sequence and biophysical properties (such as structural, functional, and spatial information, amino acid conservation, physicochemical variation, residue mobility, and thermodynamic stability) has been performed for this missense variant. However, the output from this modeling did not meet the statistical confidence thresholds required to predict the impact of this variant on MFN2 protein function. In summary, the available evidence is currently insufficient to determine the role of this variant in disease. Therefore, it has been classified as a Variant of Uncertain Significance.

PreventionGenetics, part of Exact Sciences
Classification: Uncertain significance for MFN2-related condition. Last evaluated: 2025-03-30. Review status: criteria provided, single submitter. Criteria: ACMG Guidelines, 2015. Collection method: clinical testing. Allele origin: germline.
Comment: The MFN2 c.1292C>T variant is predicted to result in the amino acid substitution p.Ser431Leu. To our knowledge, this variant has not been reported in the literature. This variant is reported in 0.0018% of alleles in individuals of European (Non-Finnish) descent in gnomAD. At this time, the clinical significance of this variant is uncertain due to the absence of conclusive functional and genetic evidence.

Mayo Clinic Laboratories, Mayo Clinic
Classification: Uncertain significance. Last evaluated: 2022-05-13. Review status: criteria provided, single submitter. Criteria: ACMG Guidelines, 2015. Collection method: clinical testing. Allele origin: germline. Observed: 1 variant allele.
Comment: PP3

GeneDx
Classification: Uncertain significance. Last evaluated: 2019-12-16. Review status: criteria provided, single submitter. Criteria: GeneDx Variant Classification Process June 2021. Collection method: clinical testing. Allele origin: germline. Affected: yes.
Comment: Not observed at a significant frequency in large population cohorts (Lek et al., 2016); In silico analysis, which includes protein predictors and evolutionary conservation, supports a deleterious effect; Has not been previously published as pathogenic or benign to our knowledge

CeGaT Center for Human Genetics Tuebingen
Classification: Uncertain significance. Last evaluated: 2019-03-01. Review status: criteria provided, single submitter. Criteria: CeGaT Center For Human Genetics Tuebingen Variant Classification Criteria Version 2. Collection method: clinical testing. Allele origin: germline. Affected: yes. Observed: 1 variant allele.